The following is an entry in ClinVar:

ClinVar aggregate classification (germline): Uncertain significance (1 of 4 stars; one submission).

Conditions:
Hereditary cancer-predisposing syndrome. Also called: Tumor predisposition; Neoplastic Syndromes, Hereditary; Hereditary neoplastic syndrome; Hereditary Cancer Syndrome. Identifiers: Orphanet 140162, MedGen C0027672, MeSH D009386, MONDO:0015356.

Submission:

Ambry Genetics
Classification: Uncertain significance for Hereditary cancer-predisposing syndrome. Last evaluated: 2024-09-23. Review status: criteria provided, single submitter. Criteria: Ambry Variant Classification Scheme 2023. Collection method: clinical testing. Allele origin: germline.
Comment: The p.A562G variant (also known as c.1685C>G), located in coding exon 9 of the SMARCA4 gene, results from a C to G substitution at nucleotide position 1685. The alanine at codon 562 is replaced by glycine, an amino acid with similar properties. This amino acid position is conserved. In addition, this alteration is predicted to be tolerated by in silico analysis. Based on the available evidence, the clinical significance of this variant remains unclear.

NM_003072.5(SMARCA4):c.1685C>G (p.Ala562Gly)

Gene: SMARCA4 (SWI/SNF related BAF chromatin remodeling complex subunit ATPase 4; plus strand). Cytogenetic location: 19p13.2.
Variant type: single nucleotide variant.
Coding change: c.1685C>G on transcript NM_003072.5 (MANE Select); coding-DNA position 1685, C replaced by G.
Protein change: p.Ala562Gly; replaces alanine 562 with glycine.
Molecular consequence: missense variant. On other transcripts: non-coding transcript variant (1).
Genome position (GRCh38, 1-based): chr19:10,996,304, C>G. VCF-style: chr19-10996304-C-G. GRCh37 (hg19) VCF-style: chr19-11106980-C-G.
Other names: c.1685C>G, p.Ala562Gly (NM_001128844.3, NM_001128845.2, NM_001128846.2 and 6 more transcripts); short protein forms A562G.
Identifiers: ClinVar variation 3446006 (VCV003446006.1).